The following is an entry in ClinVar:

NM_000789.4(ACE):c.773_774delinsAA (p.Val258Glu)

Gene: ACE (angiotensin I converting enzyme; plus strand). Cytogenetic location: 17q23.3.
Variant type: Indel.
Coding change: c.773_774delinsAA on transcript NM_000789.4 (MANE Select); coding-DNA positions 773 to 774, TC replaced by AA.
Protein change: p.Val258Glu; replaces valine 258 with glutamic acid.
Molecular consequence: missense variant. On other transcripts: 5 prime UTR variant (1).
Genome position (GRCh38, 1-based): chr17:63,480,454-63,480,455, TC replaced by AA. VCF-style: chr17-63480454-TC-AA. GRCh37 (hg19) VCF-style: chr17-61557815-TC-AA.
Other names: c.300_301delinsAA, p.Pro101Thr (NM_001382700.1); c.-80_-79delinsAA (NM_001382701.1); short protein forms P101T, V258E.
Identifiers: ClinVar variation 2131657 (VCV002131657.4), dbSNP rs2510685657, ClinGen allele CA2580094652.

ClinVar aggregate classification (germline): Uncertain significance (1 of 4 stars; one submission).

Submission:

Labcorp Genetics (formerly Invitae), Labcorp
Classification: Uncertain significance. Last evaluated: 2022-04-29. Review status: criteria provided, single submitter. Criteria: Invitae Variant Classification Sherloc (09022015). Collection method: clinical testing. Allele origin: germline.
Comment: In summary, the available evidence is currently insufficient to determine the role of this variant in disease. Therefore, it has been classified as a Variant of Uncertain Significance. This sequence change replaces valine, which is neutral and non-polar, with glutamic acid, which is acidic and polar, at codon 258 of the ACE protein (p.Val258Glu). Information on the frequency of this variant in the gnomAD database is not available, as this variant may be reported differently in the database. This variant has not been reported in the literature in individuals affected with ACE-related conditions. Algorithms developed to predict the effect of missense changes on protein structure and function are either unavailable or do not agree on the potential impact of this missense change (SIFT: "Not Available"; PolyPhen-2: "Probably Damaging"; Align-GVGD: "Not Available").